The following is an entry in ClinVar:

NM_052874.5(STX1B):c.2T>A (p.Met1Lys)

Gene: STX1B (syntaxin 1B; minus strand). Cytogenetic location: 16p11.2.
Variant type: single nucleotide variant.
Coding change: c.2T>A on transcript NM_052874.5 (MANE Select); coding-DNA position 2, T replaced by A.
Protein change: p.Met1Lys; changes the start codon (methionine 1).
Molecular consequence: missense variant, initiator codon variant.
Genome position (GRCh38, 1-based): chr16:31,010,395, A>T on the plus strand (T>A on the coding strand, the complement: STX1B is on the minus strand). VCF-style: chr16-31010395-A-T. GRCh37 (hg19) VCF-style: chr16-31021716-A-T.
Other names: short protein forms M1K.
Identifiers: ClinVar variation 3663941 (VCV003663941.2).

ClinVar aggregate classification (germline): Pathogenic (1 of 4 stars; one submission).

Conditions:
Generalized epilepsy with febrile seizures plus, type 9 (GEFSP9). Also called: GEFS+, TYPE 9. Identifiers: Orphanet 36387, MedGen C4015395, MONDO:0014517, OMIM 616172.

Submission:

Labcorp Genetics (formerly Invitae), Labcorp
Classification: Pathogenic for Generalized epilepsy with febrile seizures plus, type 9. Last evaluated: 2024-10-28. Review status: criteria provided, single submitter. Criteria: Invitae Variant Classification Sherloc (09022015). Collection method: clinical testing. Allele origin: germline.
Comment: This sequence change affects the initiator methionine of the STX1B mRNA. The next in-frame methionine is located at codon 29. This variant is not present in population databases (gnomAD no frequency). Disruption of the initiator codon has been observed in individual(s) with STX1B-related conditions (internal data). In at least one individual the variant was observed to be de novo. Experimental studies and prediction algorithms are not available or were not evaluated, and the functional significance of this variant is currently unknown. For these reasons, this variant has been classified as Pathogenic.